The following is an entry in ClinVar:

ClinVar aggregate classification (germline): Likely benign (1 of 4 stars; one submission).

Allele frequency attached by ClinVar (database versions not stated): ExAC 0.00003; TOPMed 0.00006; ESP Exome Variant Server 0.00015.
gnomAD v4.1: 71 of 1,601,790 alleles (0.0044%); highest among the groups gnomAD compares: East Asian, 0.009%; no homozygotes.

Submission:

CeGaT Center for Human Genetics Tuebingen
Classification: Likely benign. Last evaluated: 2023-10-01. Review status: criteria provided, single submitter. Criteria: CeGaT Center For Human Genetics Tuebingen Variant Classification Criteria Version 2. Collection method: clinical testing. Allele origin: germline. Affected: yes. Observed: 1 variant allele.
Comment: STEAP3: BP4, BP7

NM_182915.3(STEAP3):c.81C>T (p.Ser27=)

Genes: STEAP3 (STEAP3 metalloreductase; plus strand), STEAP3-AS1 (STEAP3 antisense RNA 1; minus strand). Cytogenetic location: 2q14.2.
Variant type: single nucleotide variant.
Coding change: c.81C>T on transcript NM_182915.3 (MANE Select); coding-DNA position 81, C replaced by T.
Protein change: p.Ser27=; no amino-acid change (serine 27 retained).
Molecular consequence: synonymous variant. On other transcripts: non-coding transcript variant (1).
Genome position (GRCh38, 1-based): chr2:119,245,547, C>T. VCF-style: chr2-119245547-C-T. GRCh37 (hg19) VCF-style: chr2-120003123-C-T.
Other names: c.51C>T, p.Ser17= (NM_001008410.2, NM_018234.3, NM_138637.3).
Identifiers: ClinVar variation 2651296 (VCV002651296.24), dbSNP rs141153214, ClinGen allele CA1846509.